The following is an entry in ClinVar:

NM_003924.4(PHOX2B):c.868C>A (p.Pro290Thr)

Gene: PHOX2B (paired like homeobox 2B; minus strand). Cytogenetic location: 4p13.
Variant type: single nucleotide variant.
Coding change: c.868C>A on transcript NM_003924.4 (MANE Select); coding-DNA position 868, C replaced by A.
Protein change: p.Pro290Thr; replaces proline 290 with threonine.
Molecular consequence: missense variant.
Genome position (GRCh38, 1-based): chr4:41,745,884, G>T on the plus strand (C>A on the coding strand, the complement: PHOX2B is on the minus strand). VCF-style: chr4-41745884-G-T. GRCh37 (hg19) VCF-style: chr4-41747901-G-T.
Other names: short protein forms P290T.
Identifiers: ClinVar variation 5026581 (VCV005026581.1).
Genomic context (GRCh38, chr4:41,745,884, plus strand): 5'-TCACTAAGGCGGCTTTGGCACCGTTGGGTCTTTGGAGCGAAGATAGGACGCTGGCGAAGG[G>T]ACCCCCAAGCGAATCCGGGATGGAGGTGATGGGGCCGGGGCCGGGAGCCCAGCCTTGTCC-3'
Protein context (NP_003915.2, residues 280-300): ITSIPDSLGG[Pro290Thr]FASVLSSLQR

ClinVar aggregate classification (germline): Uncertain significance (1 of 4 stars; one submission).

Conditions:
Hereditary cancer-predisposing syndrome. Also called: Neoplastic Syndromes, Hereditary; Tumor predisposition; Hereditary neoplastic syndrome; Hereditary Cancer Syndrome. Identifiers: Orphanet 140162, MedGen C0027672, MeSH D009386, MONDO:0015356.

Submission:

Ambry Genetics
Classification: Uncertain significance for Hereditary cancer-predisposing syndrome. Last evaluated: 2026-07-07. Review status: criteria provided, single submitter. Criteria: Ambry Variant Classification Scheme 2023. Collection method: clinical testing. Allele origin: germline.
Comment: The p.P290T variant (also known as c.868C>A), located in coding exon 3 of the PHOX2B gene, results from a C to A substitution at nucleotide position 868. The proline at codon 290 is replaced by threonine, an amino acid with highly similar properties. This amino acid position is conserved. In addition, the in silico prediction for this alteration is inconclusive. Based on the available evidence, the clinical significance of this variant remains unclear.